The following is an entry in ClinVar:

ClinVar aggregate classification (germline): Uncertain significance. Review status: criteria provided, multiple submitters, no conflicts (2 of 4 stars). 2 submissions from 2 submitters: Uncertain significance (2). Last evaluated 2024-11-25.

Conditions:
Malignant hyperthermia, susceptibility to, 1 (MHS1). Also called: Anesthesia related hyperthermia; Malignant hyperpyrexia; Fulminating hyperpyrexia; Pharmacogenic myopathy; RYR1-Related Malignant Hyperthermia Susceptibility; Malignant hyperthermia suceptibility 1. Identifiers: Orphanet 423, MedGen C2930980, MONDO:0007783, OMIM 145600.

gnomAD v4.1: 30 of 1,613,458 alleles (0.0019%); highest among the groups gnomAD compares: Non-Finnish European, 0.0023%; no homozygotes.

Submissions (2):

GeneDx
Classification: Uncertain significance. Last evaluated: 2024-11-25. Review status: criteria provided, single submitter. Criteria: GeneDx Variant Classification Process June 2021. Collection method: clinical testing. Allele origin: germline. Affected: yes.
Comment: Not observed at significant frequency in large population cohorts (gnomAD); In silico analysis supports that this missense variant has a deleterious effect on protein structure/function; Has not been previously published as pathogenic or benign to our knowledge; This variant is associated with the following publications: (PMID: 33767344)

Color Diagnostics, LLC DBA Color Health
Classification: Uncertain significance for Malignant hyperthermia, susceptibility to, 1. Last evaluated: 2023-07-26. Review status: criteria provided, single submitter. Criteria: ACMG Guidelines, 2015. Collection method: clinical testing. Allele origin: germline.
Comment: This missense variant replaces arginine with glutamine at codon 75 of the RYR1 protein. Computational prediction suggests that this variant may have deleterious impact on protein structure and function. To our knowledge, functional studies have not been reported for this variant. This variant has not been reported in individuals affected with RYR1-related disorders in the literature. This variant has been identified in 2/251258 chromosomes in the general population by the Genome Aggregation Database (gnomAD). The available evidence is insufficient to determine the role of this variant in disease conclusively. Therefore, this variant is classified as a Variant of Uncertain Significance.

NM_000540.3(RYR1):c.224G>A (p.Arg75Gln)

Gene: RYR1 (ryanodine receptor 1; plus strand). Cytogenetic location: 19q13.2.
Variant type: single nucleotide variant.
Coding change: c.224G>A on transcript NM_000540.3 (MANE Select); coding-DNA position 224, G replaced by A.
Protein change: p.Arg75Gln; replaces arginine 75 with glutamine.
Molecular consequence: missense variant.
Genome position (GRCh38, 1-based): chr19:38,442,407, G>A. VCF-style: chr19-38442407-G-A. GRCh37 (hg19) VCF-style: chr19-38933047-G-A.
Other names: c.224G>A, p.Arg75Gln (NM_001042723.2); short protein forms R75Q.
Identifiers: ClinVar variation 3900486 (VCV003900486.2).